The following is an entry in ClinVar:

ClinVar aggregate classification (germline): Uncertain significance. Review status: criteria provided, multiple submitters, no conflicts (2 of 4 stars). 2 submissions from 2 submitters: Uncertain significance (2). Last evaluated 2024-03-12.

Conditions:
Metaphyseal anadysplasia 2 (MANDP2). Also called: Metaphyseal anadysplasia 2, autosomal recessive. Identifiers: Orphanet 1040, MedGen C2751322, MONDO:0013113, OMIM 613073.

Allele frequency attached by ClinVar (database versions not stated): ExAC 0.00001; gnomAD 0.00001; gnomAD exomes 0.00002 and 0.00007; TOPMed 0.00002.
gnomAD v4.1: 99 of 1,614,074 alleles (0.0061%); highest among the groups gnomAD compares: Non-Finnish European, 0.0083%; no homozygotes.

Submissions (2):

Labcorp Genetics (formerly Invitae), Labcorp
Classification: Uncertain significance. Last evaluated: 2024-03-12. Review status: criteria provided, single submitter. Criteria: Invitae Variant Classification Sherloc (09022015). Collection method: clinical testing. Allele origin: germline.
Comment: This sequence change replaces proline, which is neutral and non-polar, with glutamine, which is neutral and polar, at codon 153 of the MMP9 protein (p.Pro153Gln). This variant is present in population databases (rs753889026, gnomAD 0.004%). This missense change has been observed in individual(s) with ureteropelvic junction obstruction (PMID: 26489027). ClinVar contains an entry for this variant (Variation ID: 1525460). Advanced modeling of protein sequence and biophysical properties (such as structural, functional, and spatial information, amino acid conservation, physicochemical variation, residue mobility, and thermodynamic stability) performed at Invitae indicates that this missense variant is expected to disrupt MMP9 protein function with a positive predictive value of 80%. In summary, the available evidence is currently insufficient to determine the role of this variant in disease. Therefore, it has been classified as a Variant of Uncertain Significance.

Fulgent Genetics
Classification: Uncertain significance for Metaphyseal anadysplasia 2. Last evaluated: 2021-08-07. Review status: criteria provided, single submitter. Criteria: ACMG Guidelines, 2015. Collection method: clinical testing. Allele origin: unknown.

Literature cited by the submitters: PubMed 26489027 (cited by Labcorp Genetics (formerly Invitae), Labcorp).

NM_004994.3(MMP9):c.458C>A (p.Pro153Gln)

Gene: MMP9 (matrix metallopeptidase 9; plus strand). Cytogenetic location: 20q13.12.
Variant type: single nucleotide variant.
Coding change: c.458C>A on transcript NM_004994.3 (MANE Select); coding-DNA position 458, C replaced by A.
Protein change: p.Pro153Gln; replaces proline 153 with glutamine.
Molecular consequence: missense variant.
Genome position (GRCh38, 1-based): chr20:46,010,569, C>A. VCF-style: chr20-46010569-C-A. GRCh37 (hg19) VCF-style: chr20-44639208-C-A.
Other names: short protein forms P153Q.
Identifiers: ClinVar variation 1525460 (VCV001525460.7), dbSNP rs753889026, ClinGen allele CA9886397.